The following is an entry in ClinVar:

ClinVar aggregate classification (germline): Uncertain significance. Review status: criteria provided, multiple submitters, no conflicts (2 of 4 stars). 2 submissions from 2 submitters: Uncertain significance (2). Last evaluated 2026-02-01.

Conditions:
KDM4B-related disorder. Also called: KDM4B-related condition.

gnomAD v4.1: 2 of 1,613,376 alleles (0.00012%); highest among the groups gnomAD compares: Non-Finnish European, 0.00017%; no homozygotes.

Submissions (2):

PreventionGenetics, part of Exact Sciences
Classification: Uncertain significance for KDM4B-related condition. Last evaluated: 2026-02-01. Review status: criteria provided, single submitter. Criteria: ACMG Guidelines, 2015. Collection method: clinical testing. Allele origin: germline.
Comment: The KDM4B c.656G>A variant is predicted to result in the amino acid substitution p.Arg219His. To our knowledge, this variant has not been reported in the literature or in a large population database (gnomAD), indicating this variant is rare. At this time, the clinical significance of this variant is uncertain due to the absence of conclusive functional and genetic evidence.

GeneDx
Classification: Uncertain significance. Last evaluated: 2024-08-06. Review status: criteria provided, single submitter. Criteria: GeneDx Variant Classification Process June 2021. Collection method: clinical testing. Allele origin: germline. Affected: yes.
Comment: Not observed at significant frequency in large population cohorts (gnomAD); In silico analysis supports that this missense variant has a deleterious effect on protein structure/function; Has not been previously published as pathogenic or benign to our knowledge

NM_015015.3(KDM4B):c.656G>A (p.Arg219His)

Gene: KDM4B (lysine demethylase 4B; plus strand). Cytogenetic location: 19p13.3.
Variant type: single nucleotide variant.
Coding change: c.656G>A on transcript NM_015015.3 (MANE Select); coding-DNA position 656, G replaced by A.
Protein change: p.Arg219His; replaces arginine 219 with histidine.
Molecular consequence: missense variant.
Genome position (GRCh38, 1-based): chr19:5,071,039, G>A. VCF-style: chr19-5071039-G-A. GRCh37 (hg19) VCF-style: chr19-5071050-G-A.
Other names: c.656G>A, p.Arg219His (NM_001370093.1, NM_001370094.1, NM_001411148.1); short protein forms R219H.
Identifiers: ClinVar variation 3602829 (VCV003602829.2).
Genomic context (GRCh38, chr19:5,071,039, plus strand): 5'-TTGCCTCTGACGTGCCTCCCTTCTCTCGCAGGTACGCCATCCCACCAGAGCACGGCAAGC[G>A]CCTGGAGCGGCTGGCCATCGGTAGGTGCCTGCCCTGAGGGCCCCAGGGACCTGGGACCAG-3'
Protein context (NP_055830.1, residues 209-229): WYAIPPEHGK[Arg219His]LERLAIGFFP